The following is an entry in ClinVar:

NM_002691.4(POLD1):c.1906C>G (p.Gln636Glu)

Gene: POLD1 (DNA polymerase delta 1, catalytic subunit; plus strand). Cytogenetic location: 19q13.33.
Variant type: single nucleotide variant.
Coding change: c.1906C>G on transcript NM_002691.4 (MANE Select); coding-DNA position 1906, C replaced by G.
Protein change: p.Gln636Glu; replaces glutamine 636 with glutamic acid.
Molecular consequence: missense variant. On other transcripts: non-coding transcript variant (1).
Genome position (GRCh38, 1-based): chr19:50,409,135, C>G. VCF-style: chr19-50409135-C-G. GRCh37 (hg19) VCF-style: chr19-50912392-C-G.
Other names: c.1906C>G, p.Gln636Glu (NM_001438211.1, NM_001438212.1, NM_001438213.1 and 2 more transcripts); c.1984C>G, p.Gln662Glu (NM_001308632.1); short protein forms Q636E, Q662E.
Identifiers: ClinVar variation 4740458 (VCV004740458.1).

ClinVar aggregate classification (germline): Uncertain significance (1 of 4 stars; one submission).

Conditions:
POLD1-related polyposis and colorectal cancer syndrome (CRCS10). Also called: COLORECTAL CANCER, SUSCEPTIBILITY TO, ON CHROMOSOME 19q; Colorectal cancer 10; Colorectal cancer, susceptibility to, 10. Identifiers: Orphanet 220460, MedGen C2675481, MONDO:0012953, OMIM 612591.

Submission:

Labcorp Genetics (formerly Invitae), Labcorp
Classification: Uncertain significance for POLD1-related polyposis and colorectal cancer syndrome. Last evaluated: 2025-04-11. Review status: criteria provided, single submitter. Criteria: Invitae Variant Classification Sherloc (09022015). Collection method: clinical testing. Allele origin: germline.
Comment: This sequence change replaces glutamine, which is neutral and polar, with glutamic acid, which is acidic and polar, at codon 636 of the POLD1 protein (p.Gln636Glu). This variant is not present in population databases (gnomAD no frequency). This variant has not been reported in the literature in individuals affected with POLD1-related conditions. Invitae Evidence Modeling of protein sequence and biophysical properties (such as structural, functional, and spatial information, amino acid conservation, physicochemical variation, residue mobility, and thermodynamic stability) indicates that this missense variant is not expected to disrupt POLD1 protein function with a negative predictive value of 80%. In summary, the available evidence is currently insufficient to determine the role of this variant in disease. Therefore, it has been classified as a Variant of Uncertain Significance.